The following is an entry in ClinVar:

NM_001355436.2(SPTB):c.884_925del (p.Asp295_Ser308del)

Gene: SPTB (spectrin beta, erythrocytic; minus strand). Cytogenetic location: 14q23.3.
Variant type: Deletion.
Coding change: c.884_925del on transcript NM_001355436.2 (MANE Select); coding-DNA positions 884 to 925, 42 bases deleted.
Protein change: p.Asp295_Ser308del.
Molecular consequence: inframe deletion.
Genome position (GRCh38, 1-based): chr14:64,799,886-64,799,927, 42 bases deleted; deleting any 42 consecutive bases within chr14:64,799,886-64,799,928 gives the same sequence; the c. name uses the placement nearest the transcript's 3' end. GRCh37 (hg19): chr14:65,266,605-65,266,646.
Other names: c.884_925del, p.Asp295_Ser308del (NM_001024858.4, NM_001355437.2).
Identifiers: ClinVar variation 3731461 (VCV003731461.1).

ClinVar aggregate classification (germline): Uncertain significance (1 of 4 stars; one submission).

Conditions:
Hereditary spherocytosis type 2. Also called: SPHEROCYTOSIS, TYPE 2, AUTOSOMAL DOMINANT. Identifiers: Orphanet 822, MedGen C2674219, MONDO:0000913, OMIM 616649.

Submission:

Neuberg Centre For Genomic Medicine, NCGM
Classification: Uncertain significance for Hereditary spherocytosis type 2. Last evaluated: 2023-06-22. Review status: criteria provided, single submitter. Criteria: ACMG Guidelines, 2015. Collection method: clinical testing. Allele origin: germline. Inheritance: Autosomal recessive inheritance. Affected: yes.
Comment: The observed inframe deletion c.884_925del(p.Asp295_Ser308del) variant in SPTB gene has not been reported previously as a pathogenic variant nor as a benign variant, to our knowledge. This variant is absent in gnomAD Exomes. This p.Asp295_Ser308del causes deletion of amino acid Aspartic Acid at position 295 to Serine at position 308. For these reasons, this variant has been classified as Uncertain Significance.